The following is an entry in ClinVar:

ClinVar aggregate classification (germline): Likely benign. Review status: criteria provided, single submitter (1 of 4 stars). 2 submissions from 2 submitters: Likely benign (1). 1 of the submissions does not count toward it. Last evaluated 2025-10-16.

Conditions:
DNMT3A-related disorder. Also called: DNMT3A-related disorders; DNMT3A-related condition.
Tatton-Brown-Rahman overgrowth syndrome. Also called: Tatton-Brown-Rahman syndrome; Tall stature-intellectual disability-facial dysmorphism syndrome. Identifiers: Orphanet 404443, MedGen C4014545, MONDO:0014382, OMIM 615879.

Allele frequency attached by ClinVar (database versions not stated): ExAC 0.00001; gnomAD exomes 0.00002; gnomAD 0.00005; TOPMed 0.00007; ESP Exome Variant Server 0.00008.
gnomAD v4.1: 32 of 1,610,888 alleles (0.002%); highest among the groups gnomAD compares: African/African-American, 0.015%; no homozygotes.

Submissions (2):

Labcorp Genetics (formerly Invitae), Labcorp
Classification: Likely benign for Tatton-Brown-Rahman overgrowth syndrome. Last evaluated: 2025-10-16. Review status: criteria provided, single submitter. Criteria: Invitae Variant Classification Sherloc (09022015). Collection method: clinical testing. Allele origin: germline.

PreventionGenetics, part of Exact Sciences
Classification: Likely benign for DNMT3A-related condition. Last evaluated: 2022-08-02. Review status: no assertion criteria provided. Collection method: clinical testing. Allele origin: germline. Not counted in ClinVar's aggregate classification.
Comment: This variant is classified as likely benign based on ACMG/AMP sequence variant interpretation guidelines (Richards et al. 2015 PMID: 25741868, with internal and published modifications).

NM_022552.5(DNMT3A):c.2597+7G>A

Gene: DNMT3A (DNA methyltransferase 3 alpha; minus strand). Cytogenetic location: 2p23.3.
Variant type: single nucleotide variant.
Coding change: c.2597+7G>A on transcript NM_022552.5 (MANE Select); 7 bases into the intron after coding-DNA position 2597, G replaced by A.
Molecular consequence: intron variant.
Genome position (GRCh38, 1-based): chr2:25,235,700, C>T on the plus strand (G>A on the coding strand, the complement: DNMT3A is on the minus strand). VCF-style: chr2-25235700-C-T. GRCh37 (hg19) VCF-style: chr2-25458569-C-T.
Other names: c.2597+7G>A (NM_175629.2); c.2030+7G>A (NM_153759.3); c.2141+7G>A (NM_001320893.1); c.1928+7G>A (NM_001375819.1).
Identifiers: ClinVar variation 2183924 (VCV002183924.6), dbSNP rs372146753, ClinGen allele CA1555526.
Genomic context (GRCh38, chr2:25,235,700, plus strand): 5'-ACCCCCGCAGCAAGCACAGCAATCAGAACAGCCACACCGCAGCCAGATGCCAGCACAACC[C>T]GGGTACCTTTCCATTTCAGTGCACCATAAGATGTCCTCTTTCTCATTCATGAAGACAGGA-3'